The following is an entry in ClinVar:

NM_001035.3(RYR2):c.10597G>C (p.Asp3533His)

Gene: RYR2 (ryanodine receptor 2; plus strand). Cytogenetic location: 1q43.
Variant type: single nucleotide variant.
Coding change: c.10597G>C on transcript NM_001035.3 (MANE Select); coding-DNA position 10597, G replaced by C.
Protein change: p.Asp3533His; replaces aspartic acid 3533 with histidine.
Molecular consequence: missense variant.
Genome position (GRCh38, 1-based): chr1:237,723,170, G>C. VCF-style: chr1-237723170-G-C. GRCh37 (hg19) VCF-style: chr1-237886470-G-C.
Other names: short protein forms D3533H.
Identifiers: ClinVar variation 4800107 (VCV004800107.1).

ClinVar aggregate classification (germline): Uncertain significance (1 of 4 stars; one submission).

Conditions:
Catecholaminergic polymorphic ventricular tachycardia 1. Also called: VENTRICULAR TACHYCARDIA, STRESS-INDUCED POLYMORPHIC 1; RYR2-Related Catecholaminergic Polymorphic Ventricular Tachycardia; VENTRICULAR TACHYCARDIA, CATECHOLAMINERGIC POLYMORPHIC, 1, WITH OR WITHOUT ATRIAL DYSFUNCTION AND/OR DILATED CARDIOMYOPATHY. Identifiers: Orphanet 3286, MedGen C1631597, MONDO:0011484, OMIM 604772.

Submission:

Labcorp Genetics (formerly Invitae), Labcorp
Classification: Uncertain significance for Catecholaminergic polymorphic ventricular tachycardia 1. Last evaluated: 2025-08-25. Review status: criteria provided, single submitter. Criteria: Invitae Variant Classification Sherloc (09022015). Collection method: clinical testing. Allele origin: germline.
Comment: This sequence change replaces aspartic acid, which is acidic and polar, with histidine, which is basic and polar, at codon 3533 of the RYR2 protein (p.Asp3533His). This variant is not present in population databases (gnomAD no frequency). This variant has not been reported in the literature in individuals affected with RYR2-related conditions. Invitae Evidence Modeling of protein sequence and biophysical properties (such as structural, functional, and spatial information, amino acid conservation, physicochemical variation, residue mobility, and thermodynamic stability) indicates that this missense variant is not expected to disrupt RYR2 protein function with a negative predictive value of 95%. In summary, the available evidence is currently insufficient to determine the role of this variant in disease. Therefore, it has been classified as a Variant of Uncertain Significance.